The following is an entry in ClinVar:

ClinVar aggregate classification (germline): Benign. Review status: criteria provided, multiple submitters, no conflicts (2 of 4 stars). 4 submissions from 4 submitters: Benign (2). 2 of the submissions do not count toward it. Last evaluated 2025-12-28.

Conditions:
Smith-Lemli-Opitz syndrome (SLOS). Also called: LETHAL ACRODYSGENITAL SYNDROME; POLYDACTYLY, SEX REVERSAL, RENAL HYPOPLASIA, AND UNILOBAR LUNG; RSH SYNDROME; RUTLEDGE LETHAL MULTIPLE CONGENITAL ANOMALY SYNDROME; 7-Dehydrocholesterol reductase deficiency. Identifiers: Orphanet 818, MedGen C0175694, MONDO:0010035, OMIM 270400.
DHCR7-related disorder. Also called: DHCR7-related condition.

Allele frequency attached by ClinVar (database versions not stated): TOPMed below 0.00001; gnomAD exomes 0.00009 and 0.00028; ExAC 0.00015; 1000 Genomes Project 30x 0.00016; 1000 Genomes Project 0.00020; gnomAD 0.00025 and 0.00026.

Submissions (4):

Labcorp Genetics (formerly Invitae), Labcorp
Classification: Benign for Smith-Lemli-Opitz syndrome. Last evaluated: 2025-12-28. Review status: criteria provided, single submitter. Criteria: Invitae Variant Classification Sherloc (09022015). Collection method: clinical testing. Allele origin: germline.

Fulgent Genetics
Classification: Benign for Smith-Lemli-Opitz syndrome. Last evaluated: 2022-03-25. Review status: criteria provided, single submitter. Criteria: ACMG Guidelines, 2015. Collection method: clinical testing. Allele origin: unknown.

PreventionGenetics, part of Exact Sciences
Classification: Likely benign for DHCR7-related condition. Last evaluated: 2022-06-21. Review status: no assertion criteria provided. Collection method: clinical testing. Allele origin: germline. Not counted in ClinVar's aggregate classification.
Comment: This variant is classified as likely benign based on ACMG/AMP sequence variant interpretation guidelines (Richards et al. 2015 PMID: 25741868, with internal and published modifications).

Natera, Inc.
Classification: Likely benign for Smith-Lemli-Opitz syndrome. Last evaluated: 2019-03-22. Review status: no assertion criteria provided. Collection method: clinical testing. Allele origin: germline. Not counted in ClinVar's aggregate classification.

NM_001360.3(DHCR7):c.586A>G (p.Met196Val)

Gene: DHCR7 (7-dehydrocholesterol reductase; minus strand). Cytogenetic location: 11q13.4.
Variant type: single nucleotide variant.
Coding change: c.586A>G on transcript NM_001360.3 (MANE Select); coding-DNA position 586, A replaced by G.
Protein change: p.Met196Val; replaces methionine 196 with valine.
Molecular consequence: missense variant.
Genome position (GRCh38, 1-based): chr11:71,441,267, T>C on the plus strand (A>G on the coding strand, the complement: DHCR7 is on the minus strand). VCF-style: chr11-71441267-T-C. GRCh37 (hg19) VCF-style: chr11-71152313-T-C.
Other names: c.586A>G, p.Met196Val (NM_001163817.2); c.586A>G (NM_001360.2); short protein forms M196V.
Identifiers: ClinVar variation 1164655 (VCV001164655.14), dbSNP rs200474791, ClinGen allele CA6162528.